The following is an entry in ClinVar:

ClinVar aggregate classification (germline): Benign. Review status: criteria provided, multiple submitters, no conflicts (2 of 4 stars). 4 submissions from 4 submitters: Benign (3). 1 of the submissions does not count toward it. Last evaluated 2026-02-03.

Conditions:
Spinocerebellar ataxia 45. Identifiers: Orphanet 589527, MedGen C4540400, MONDO:0033480, OMIM 617769.
FAT2-related disorder. Also called: FAT2-related condition.

Allele frequency attached by ClinVar (database versions not stated): 1000 Genomes Project 30x 0.76218; gnomAD 0.70468 and 0.71235; 1000 Genomes Project 0.76897; ESP Exome Variant Server 0.68368; TOPMed 0.71424; gnomAD exomes 0.73509 and 0.76714; ExAC 0.76248.
gnomAD v4.1: 1,183,528 of 1,613,612 alleles (73%); highest among the groups gnomAD compares: East Asian, 95%; 437,052 homozygotes.

Submissions (4):

Labcorp Genetics (formerly Invitae), Labcorp
Classification: Benign. Last evaluated: 2026-02-03. Review status: criteria provided, single submitter. Criteria: Invitae Variant Classification Sherloc (09022015). Collection method: clinical testing. Allele origin: germline.

Genome-Nilou Lab
Classification: Benign for Spinocerebellar ataxia 45. Last evaluated: 2021-08-10. Review status: criteria provided, single submitter. Criteria: ACMG Guidelines, 2015. Collection method: clinical testing. Allele origin: germline. Affected: no.

GeneDx
Classification: Benign. Last evaluated: 2021-05-04. Review status: criteria provided, single submitter. Criteria: GeneDx Variant Classification Process June 2021. Collection method: clinical testing. Allele origin: germline. Affected: yes.

PreventionGenetics, part of Exact Sciences
Classification: Benign for FAT2-related condition. Last evaluated: 2019-07-08. Review status: no assertion criteria provided. Collection method: clinical testing. Allele origin: germline. Not counted in ClinVar's aggregate classification.
Comment: This variant is classified as benign based on ACMG/AMP sequence variant interpretation guidelines (Richards et al. 2015 PMID: 25741868, with internal and published modifications).

NM_001447.3(FAT2):c.10893G>A (p.Met3631Ile)

Genes: SLC36A1 (solute carrier family 36 member 1; plus strand), FAT2 (FAT atypical cadherin 2; minus strand). Cytogenetic location: 5q33.1.
Variant type: single nucleotide variant.
Coding change: c.10893G>A on transcript NM_001447.3 (MANE Select); coding-DNA position 10893, G replaced by A.
Protein change: p.Met3631Ile; replaces methionine 3631 with isoleucine.
Molecular consequence: missense variant.
Genome position (GRCh38, 1-based): chr5:151,521,700, C>T on the plus strand (G>A on the coding strand, the complement: FAT2 is on the minus strand). VCF-style: chr5-151521700-C-T. GRCh37 (hg19) VCF-style: chr5-150901261-C-T.
Other names: short protein forms M3631I.
Identifiers: ClinVar variation 1285257 (VCV001285257.10), dbSNP rs6650971, ClinGen allele CA3520135.